The following is an entry in ClinVar:

NM_001395413.1(POR):c.892C>T (p.Arg298Cys)

Genes: POR (cytochrome p450 oxidoreductase; plus strand), LOC126860075 (CDK7 strongly-dependent group 2 enhancer GRCh37_chr7:75612087-75613286; plus strand). Cytogenetic location: 7q11.23.
Variant type: single nucleotide variant.
Coding change: c.892C>T on transcript NM_001395413.1 (MANE Select); coding-DNA position 892, C replaced by T.
Protein change: p.Arg298Cys; replaces arginine 298 with cysteine.
Molecular consequence: missense variant.
Genome position (GRCh38, 1-based): chr7:75,983,590, C>T. VCF-style: chr7-75983590-C-T. GRCh37 (hg19) VCF-style: chr7-75612908-C-T.
Other names: c.892C>T, p.Arg298Cys (NM_001367562.3, NM_001382657.2, NM_001382658.3 and 2 more transcripts); c.946C>T, p.Arg316Cys (NM_001382655.3); short protein forms R298C, R316C.
Identifiers: ClinVar variation 1382908 (VCV001382908.3), dbSNP rs200097755, ClinGen allele CA4303887.

ClinVar aggregate classification (germline): Uncertain significance (1 of 4 stars; one submission).

Conditions:
Congenital adrenal hyperplasia due to cytochrome P450 oxidoreductase deficiency. Also called: DISORDERED STEROIDOGENESIS DUE TO POR DEFICIENCY. Identifiers: Orphanet 95699, MedGen C1860042, MONDO:0013310, OMIM 613571.

Allele frequency attached by ClinVar (database versions not stated): gnomAD 0.00002 and 0.00005; ExAC 0.00003; gnomAD exomes 0.00003; TOPMed 0.00003; 1000 Genomes Project 0.00040; 1000 Genomes Project 30x 0.00047.
gnomAD v4.1: 23 of 1,613,126 alleles (0.0014%); highest among the groups gnomAD compares: South Asian, 0.0055%; no homozygotes.

Submission:

Labcorp Genetics (formerly Invitae), Labcorp
Classification: Uncertain significance for Congenital adrenal hyperplasia due to cytochrome P450 oxidoreductase deficiency. Last evaluated: 2021-11-06. Review status: criteria provided, single submitter. Criteria: Invitae Variant Classification Sherloc (09022015). Collection method: clinical testing. Allele origin: germline.
Comment: This sequence change replaces arginine, which is basic and polar, with cysteine, which is neutral and slightly polar, at codon 301 of the POR protein (p.Arg301Cys). This variant is present in population databases (rs200097755, gnomAD 0.01%). This variant has not been reported in the literature in individuals affected with POR-related conditions. Algorithms developed to predict the effect of missense changes on protein structure and function (SIFT, PolyPhen-2, Align-GVGD) all suggest that this variant is likely to be disruptive. In summary, the available evidence is currently insufficient to determine the role of this variant in disease. Therefore, it has been classified as a Variant of Uncertain Significance.